The following is an entry in ClinVar:

ClinVar aggregate classification (germline): Uncertain significance. Review status: criteria provided, multiple submitters, no conflicts (2 of 4 stars). 2 submissions from 2 submitters: Uncertain significance (2). Last evaluated 2025-02-02.

Conditions:
Long QT syndrome 12 (LQT12). Identifiers: Orphanet 101016, Orphanet 768, MedGen C2751830, MONDO:0013062, OMIM 612955.
Long QT syndrome (LQTS). Identifiers: MedGen C0023976, MeSH D008133, MONDO:0002442. Disease mechanism: loss of function. Inheritance: Various modes of inheritance.

Allele frequency attached by ClinVar (database versions not stated): gnomAD 0.00001; TOPMed 0.00001; gnomAD exomes 0.00002.
gnomAD v4.1: 30 of 1,601,412 alleles (0.0019%); highest among the groups gnomAD compares: Non-Finnish European, 0.0025%; no homozygotes.

Submissions (2):

Labcorp Genetics (formerly Invitae), Labcorp
Classification: Uncertain significance for Long QT syndrome. Last evaluated: 2025-02-02. Review status: criteria provided, single submitter. Criteria: Invitae Variant Classification Sherloc (09022015). Collection method: clinical testing. Allele origin: germline.
Comment: This sequence change falls in intron 3 of the SNTA1 gene. It does not directly change the encoded amino acid sequence of the SNTA1 protein. It affects a nucleotide within the consensus splice site. This variant is not present in population databases (gnomAD no frequency). This variant has not been reported in the literature in individuals affected with SNTA1-related conditions. ClinVar contains an entry for this variant (Variation ID: 2193520). Variants that disrupt the consensus splice site are a relatively common cause of aberrant splicing (PMID: 17576681, 9536098). Algorithms developed to predict the effect of sequence changes on RNA splicing suggest that this variant is not likely to affect RNA splicing. In summary, the available evidence is currently insufficient to determine the role of this variant in disease. Therefore, it has been classified as a Variant of Uncertain Significance.

Revvity Omics, Revvity
Classification: Uncertain significance for Long QT syndrome 12. Last evaluated: 2023-12-21. Review status: criteria provided, single submitter. Criteria: ACMG Guidelines, 2015. Collection method: clinical testing. Allele origin: germline.

Literature cited by the submitters: PubMed 17576681 (cited by Labcorp Genetics (formerly Invitae), Labcorp); PubMed 9536098 (cited by Labcorp Genetics (formerly Invitae), Labcorp).

NM_003098.3(SNTA1):c.702-3C>T

Gene: SNTA1 (syntrophin alpha 1; minus strand). Cytogenetic location: 20q11.21.
Variant type: single nucleotide variant.
Coding change: c.702-3C>T on transcript NM_003098.3 (MANE Select); 3 bases into the intron before coding-DNA position 702, C replaced by T.
Molecular consequence: intron variant.
Genome position (GRCh38, 1-based): chr20:33,412,785, G>A on the plus strand (C>T on the coding strand, the complement: SNTA1 is on the minus strand). VCF-style: chr20-33412785-G-A. GRCh37 (hg19) VCF-style: chr20-32000591-G-A.
Identifiers: ClinVar variation 2193520 (VCV002193520.5), dbSNP rs981085711, ClinGen allele CA313253552.
Genomic context (GRCh38, chr20:33,412,785, plus strand): 5'-ATCCTTGGCCCTCAGGAAGAGGGTGTCTTGACCATCTGCCGAGCAGATCTCCAGATACCT[G>A]CAGGCACAAATGGGTGGAGACAAGGACCTGACCATTAGGCTGCAGCTGCCCAACCCTGGC-3'